The following is an entry in ClinVar:

ClinVar aggregate classification (germline): Uncertain significance. Review status: criteria provided, single submitter (1 of 4 stars). 2 submissions from 2 submitters: Uncertain significance (1). 1 of the submissions does not count toward it. Last evaluated 2022-02-10.

Conditions:
Cohen syndrome (COH1). Also called: Cutis verticis gyrata, retinitis pigmentosa, and sensorineural deafness; PEPPER SYNDROME. Identifiers: Orphanet 193, MedGen C0265223, MONDO:0008999, OMIM 216550.

Allele frequency attached by ClinVar (database versions not stated): ExAC 0.00001; gnomAD exomes 0.00001.
gnomAD v4.1: 7 of 1,613,004 alleles (0.00043%); highest among the groups gnomAD compares: Non-Finnish European, 0.00059%; no homozygotes.

Submissions (2):

Labcorp Genetics (formerly Invitae), Labcorp
Classification: Uncertain significance for Cohen syndrome. Last evaluated: 2022-02-10. Review status: criteria provided, single submitter. Criteria: Invitae Variant Classification Sherloc (09022015). Collection method: clinical testing. Allele origin: germline.
Comment: This sequence change replaces lysine, which is basic and polar, with threonine, which is neutral and polar, at codon 3702 of the VPS13B protein (p.Lys3702Thr). This variant is present in population databases (rs772287232, gnomAD 0.002%). This variant has not been reported in the literature in individuals affected with VPS13B-related conditions. ClinVar contains an entry for this variant (Variation ID: 1022136). Algorithms developed to predict the effect of missense changes on protein structure and function are either unavailable or do not agree on the potential impact of this missense change (SIFT: "Not Available"; PolyPhen-2: "Benign"; Align-GVGD: "Not Available"). In summary, the available evidence is currently insufficient to determine the role of this variant in disease. Therefore, it has been classified as a Variant of Uncertain Significance.

Natera, Inc.
Classification: Uncertain significance for Cohen syndrome. Last evaluated: 2020-10-23. Review status: no assertion criteria provided. Collection method: clinical testing. Allele origin: germline. Not counted in ClinVar's aggregate classification.

NM_152564.5(VPS13B):c.11030A>C (p.Lys3677Thr)

Gene: VPS13B (vacuolar protein sorting 13 homolog B; plus strand). Cytogenetic location: 8q22.2.
Variant type: single nucleotide variant.
Coding change: c.11030A>C on transcript NM_152564.5 (MANE Select); coding-DNA position 11030, A replaced by C.
Protein change: p.Lys3677Thr; replaces lysine 3677 with threonine.
Molecular consequence: missense variant.
Genome position (GRCh38, 1-based): chr8:99,859,466, A>C. VCF-style: chr8-99859466-A-C. GRCh37 (hg19) VCF-style: chr8-100871694-A-C.
Other names: c.11105A>C, p.Lys3702Thr (NM_017890.5); short protein forms K3677T, K3702T.
Identifiers: ClinVar variation 1022136 (VCV001022136.9), dbSNP rs772287232, ClinGen allele CA4825098.